The following is an entry in ClinVar:

NM_001378964.1(CDON):c.3499G>C (p.Asp1167His)

Gene: CDON (cell adhesion associated, oncogene regulated; minus strand). Cytogenetic location: 11q24.2.
Variant type: single nucleotide variant.
Coding change: c.3499G>C on transcript NM_001378964.1 (MANE Select); coding-DNA position 3499, G replaced by C.
Protein change: p.Asp1167His; replaces aspartic acid 1167 with histidine.
Molecular consequence: missense variant.
Genome position (GRCh38, 1-based): chr11:125,961,856, C>G on the plus strand (G>C on the coding strand, the complement: CDON is on the minus strand). VCF-style: chr11-125961856-C-G. GRCh37 (hg19) VCF-style: chr11-125831751-C-G.
Other names: c.3499G>C, p.Asp1167His (NM_001243597.3, NM_016952.6); short protein forms D1167H.
Identifiers: ClinVar variation 1060785 (VCV001060785.9), dbSNP rs777871279, ClinGen allele CA6351392.
Genomic context (GRCh38, chr11:125,961,856, plus strand): 5'-GCTGAGTAGGGACTGGTTCCACATTGTCCTTGACGCTCTCCTCCGGCAACTGGCCACAAT[C>G]AGGGACTGCGGAAGTCAGGCATACAGGCACCTTCACGTGACTGAGGGGCTTCATTTCCAA-3'
Protein context (NP_001365893.1, residues 1157-1177): VPVCLTSAVP[Asp1167His]CGQLPEESVK

ClinVar aggregate classification (germline): Uncertain significance (1 of 4 stars; one submission).

Conditions:
Holoprosencephaly 11 (HPE11). Identifiers: Orphanet 2162, MedGen C3280215, MONDO:0013642, OMIM 614226.

Allele frequency attached by ClinVar (database versions not stated): gnomAD exomes below 0.00001; ExAC 0.00001.
gnomAD v4.1: 2 of 1,614,216 alleles (0.00012%); highest among the groups gnomAD compares: Admixed American, 0.0017%; no homozygotes.

Submission:

Labcorp Genetics (formerly Invitae), Labcorp
Classification: Uncertain significance for Holoprosencephaly 11. Last evaluated: 2020-10-09. Review status: criteria provided, single submitter. Criteria: Invitae Variant Classification Sherloc (09022015). Collection method: clinical testing. Allele origin: germline.
Comment: In summary, the available evidence is currently insufficient to determine the role of this variant in disease. Therefore, it has been classified as a Variant of Uncertain Significance. Algorithms developed to predict the effect of missense changes on protein structure and function output the following: SIFT: "Deleterious"; PolyPhen-2: "Benign"; Align-GVGD: "Class C0". The histidine amino acid residue is found in multiple mammalian species, suggesting that this missense change does not adversely affect protein function. These predictions have not been confirmed by published functional studies and their clinical significance is uncertain. This variant has not been reported in the literature in individuals with CDON-related conditions. This variant is present in population databases (rs777871279, ExAC 0.009%). This sequence change replaces aspartic acid with histidine at codon 1167 of the CDON protein (p.Asp1167His). The aspartic acid residue is moderately conserved and there is a moderate physicochemical difference between aspartic acid and histidine.